The following is an entry in ClinVar:

ClinVar aggregate classification (germline): Uncertain significance (1 of 4 stars; one submission).

Conditions:
Norman-Roberts syndrome (LIS2). Also called: Lissencephaly 2 (Norman-Roberts type). Identifiers: Orphanet 89844, MedGen C0796089, MONDO:0009760, OMIM 257320.
Familial temporal lobe epilepsy 7. Identifiers: Orphanet 101046, MedGen C4225327, MONDO:0014639, OMIM 616436.

Allele frequency attached by ClinVar (database versions not stated): gnomAD exomes below 0.00001.
gnomAD v4.1: 2 of 1,614,158 alleles (0.00012%); highest among the groups gnomAD compares: African/African-American, 0.0013%; no homozygotes.

Submission:

Labcorp Genetics (formerly Invitae), Labcorp
Classification: Uncertain significance for Familial temporal lobe epilepsy 7; Norman-Roberts syndrome. Last evaluated: 2023-05-16. Review status: criteria provided, single submitter. Criteria: Invitae Variant Classification Sherloc (09022015). Collection method: clinical testing. Allele origin: germline.
Comment: This sequence change replaces isoleucine, which is neutral and non-polar, with valine, which is neutral and non-polar, at codon 2123 of the RELN protein (p.Ile2123Val). This variant is not present in population databases (gnomAD no frequency). This variant has not been reported in the literature in individuals affected with RELN-related conditions. Advanced modeling of protein sequence and biophysical properties (such as structural, functional, and spatial information, amino acid conservation, physicochemical variation, residue mobility, and thermodynamic stability) performed at Invitae indicates that this missense variant is not expected to disrupt RELN protein function. In summary, the available evidence is currently insufficient to determine the role of this variant in disease. Therefore, it has been classified as a Variant of Uncertain Significance.

NM_005045.4(RELN):c.6367A>G (p.Ile2123Val)

Gene: RELN (reelin; minus strand). Cytogenetic location: 7q22.1.
Variant type: single nucleotide variant.
Coding change: c.6367A>G on transcript NM_005045.4 (MANE Select); coding-DNA position 6367, A replaced by G.
Protein change: p.Ile2123Val; replaces isoleucine 2123 with valine.
Molecular consequence: missense variant.
Genome position (GRCh38, 1-based): chr7:103,545,280, T>C on the plus strand (A>G on the coding strand, the complement: RELN is on the minus strand). VCF-style: chr7-103545280-T-C. GRCh37 (hg19) VCF-style: chr7-103185727-T-C.
Other names: c.6367A>G, p.Ile2123Val (NM_173054.3); short protein forms I2123V.
Identifiers: ClinVar variation 2925017 (VCV002925017.3), dbSNP rs2484798349, ClinGen allele CA368771177.